The following is an entry in ClinVar:

NM_000264.5(PTCH1):c.*3232G>T

Gene: PTCH1 (patched 1; minus strand). Cytogenetic location: 9q22.32.
Variant type: single nucleotide variant.
Coding change: c.*3232G>T on transcript NM_000264.5 (MANE Select); 3232 bases downstream of the stop codon, G replaced by T.
Molecular consequence: 3 prime UTR variant. On other transcripts: non-coding transcript variant (1).
Genome position (GRCh38, 1-based): chr9:95,443,161, C>A on the plus strand (G>T on the coding strand, the complement: PTCH1 is on the minus strand). VCF-style: chr9-95443161-C-A. GRCh37 (hg19) VCF-style: chr9-98205443-C-A.
Other names: c.*3232G>T (NM_001083602.3, NM_001083603.3, NM_001083604.3 and 4 more transcripts).
Identifiers: ClinVar variation 367618 (VCV000367618.6), dbSNP rs357565, ClinGen allele CA10634541.
Genomic context (GRCh38, chr9:95,443,161, plus strand): 5'-GTATGAGAAAACAAAAATAGGGTCAGGTGATAAGAAATTAATTAATGGGTACAATGTACA[C>A]TATTTGGGTGATGATCACACTAAAAGCTCAGCCCCCACTTTGTAATACATCCATGTAACA-3'

ClinVar aggregate classification (germline): Benign. Review status: criteria provided, multiple submitters, no conflicts (2 of 4 stars). 3 submissions from 2 submitters: Benign (3). Last evaluated 2018-01-12.

Conditions:
Holoprosencephaly 7 (HPE7). Identifiers: Orphanet 2162, MedGen C1835820, MONDO:0012562, OMIM 610828.
Gorlin syndrome. Also called: Basal cell nevus syndrome; Nevoid Basal Cell Carcinoma Syndrome. Identifiers: Orphanet 377, MedGen C0004779, MONDO:0007187.

Allele frequency attached by ClinVar (database versions not stated): 1000 Genomes Project 0.21526; 1000 Genomes Project 30x 0.21752; TOPMed 0.24070; gnomAD 0.24359 and 0.24468.
gnomAD v4.1: 37,107 of 152,040 alleles (24%); highest among the groups gnomAD compares: Non-Finnish European, 28%; 4,643 homozygotes.

Submissions (3):

Illumina Laboratory Services, Illumina
Classification: Benign for Holoprosencephaly 7. Last evaluated: 2018-01-12. Review status: criteria provided, single submitter. Criteria: ICSL Variant Classification Criteria 13 December 2019. Collection method: clinical testing. Allele origin: germline.
Comment: This variant was observed in the ICSL laboratory as part of a predisposition screen in an ostensibly healthy population. It had not been previously curated by ICSL or reported in the Human Gene Mutation Database (HGMD: prior to June 1st, 2018), and was therefore a candidate for classification through an automated scoring system. Utilizing variant allele frequency, disease prevalence and penetrance estimates, and inheritance mode, an automated score was calculated to assess if this variant is too frequent to cause the disease. Based on the score and internal cut-off values, a variant classified as benign is not then subjected to further curation. The score for this variant resulted in a classification of benign for this disease.

Illumina Laboratory Services, Illumina
Classification: Benign for Basal cell nevus syndrome 1. Last evaluated: 2018-01-12. Review status: criteria provided, single submitter. Criteria: ICSL Variant Classification Criteria 13 December 2019. Collection method: clinical testing. Allele origin: germline.
Comment: the same text as in the submission from Illumina Laboratory Services, Illumina above.

Breakthrough Genomics
Classification: Benign. Review status: criteria provided, single submitter. Criteria: ACMG Guidelines, 2015. Collection method: not provided. Allele origin: germline. Inheritance: Autosomal dominant inheritance. Affected: yes.